The following is an entry in ClinVar:

NM_006642.5(SDCCAG8):c.1039T>C (p.Ser347Pro)

Gene: SDCCAG8 (SHH signaling and ciliogenesis regulator SDCCAG8; plus strand). Cytogenetic location: 1q43.
Variant type: single nucleotide variant.
Coding change: c.1039T>C on transcript NM_006642.5 (MANE Select); coding-DNA position 1039, T replaced by C.
Protein change: p.Ser347Pro; replaces serine 347 with proline.
Molecular consequence: missense variant.
Genome position (GRCh38, 1-based): chr1:243,316,864, T>C. VCF-style: chr1-243316864-T-C. GRCh37 (hg19) VCF-style: chr1-243480166-T-C.
Other names: c.136T>C, p.Ser46Pro (NM_001350246.2, NM_001350247.2, NM_001350251.2); c.1135T>C, p.Ser379Pro (NM_001350248.2); c.745T>C, p.Ser249Pro (NM_001350249.2); short protein forms S249P, S347P, S379P, S46P.
Identifiers: ClinVar variation 4991524 (VCV004991524.1).

ClinVar aggregate classification (germline): Uncertain significance (1 of 4 stars; one submission).

Conditions:
SDCCAG8-related disorder. Also called: SDCCAG8-Related Disorders; SDCCAG8-related condition.

Submission:

PreventionGenetics, part of Exact Sciences
Classification: Uncertain significance for SDCCAG8-related condition. Last evaluated: 2025-12-01. Review status: criteria provided, single submitter. Criteria: ACMG Guidelines, 2015. Collection method: clinical testing. Allele origin: germline.
Comment: The SDCCAG8 c.1039T>C variant is predicted to result in the amino acid substitution p.Ser347Pro. To our knowledge, this variant has not been reported in the literature or in a large population database (gnomAD), indicating this variant is rare. At this time, the clinical significance of this variant is uncertain due to the absence of conclusive functional and genetic evidence.